The following is an entry in ClinVar:

NM_007327.4(GRIN1):c.1467+160G>A

Gene: GRIN1 (glutamate ionotropic receptor NMDA type subunit 1; plus strand). Cytogenetic location: 9q34.3.
Variant type: single nucleotide variant.
Coding change: c.1467+160G>A on transcript NM_007327.4 (MANE Select); 160 bases into the intron after coding-DNA position 1467, G replaced by A.
Molecular consequence: intron variant.
Genome position (GRCh38, 1-based): chr9:137,161,576, G>A. VCF-style: chr9-137161576-G-A. GRCh37 (hg19) VCF-style: chr9-140056028-G-A.
Other names: c.1530+160G>A (NM_001185090.2, NM_001185091.2); c.1467+160G>A (NM_021569.4, NM_000832.7).
Identifiers: ClinVar variation 681622 (VCV000681622.1), dbSNP rs11146026, ClinGen allele CA13138102.

ClinVar aggregate classification (germline): Benign (1 of 4 stars; one submission).

Allele frequency attached by ClinVar (database versions not stated): gnomAD 0.55385 and 0.56204; TOPMed 0.58854; 1000 Genomes Project 30x 0.62695; 1000 Genomes Project 0.64058.
gnomAD v4.1: 67,886 of 120,864 alleles (56%); highest among the groups gnomAD compares: East Asian, 91%; 19,869 homozygotes.

Submission:

GeneDx
Classification: Benign. Last evaluated: 2018-06-14. Review status: criteria provided, single submitter. Criteria: GeneDx Variant Classification (06012015). Collection method: clinical testing. Allele origin: germline. Affected: yes.
Comment: This variant is considered likely benign or benign based on one or more of the following criteria: it is a conservative change, it occurs at a poorly conserved position in the protein, it is predicted to be benign by multiple in silico algorithms, and/or has population frequency not consistent with disease.